The following is an entry in ClinVar:

ClinVar aggregate classification (germline): Benign/Likely benign. Review status: criteria provided, multiple submitters, no conflicts (2 of 4 stars). 9 submissions from 7 submitters: Benign (8); Likely benign (1). Last evaluated 2026-02-04.

Conditions:
Schwartz-Jampel syndrome. Also called: Myotonic myopathy dwarfism chondrodystrophy and ocular and facial abnormalities. Identifiers: Orphanet 800, MedGen C0036391, MONDO:0009717.
Connective tissue disorder. Also called: Connective tissue disease. Identifiers: MedGen C0009782, MONDO:0003900.
Lethal Kniest-like syndrome (DDSH). Also called: Dyssegmental Dysplasia. Identifiers: Orphanet 1865, MedGen C1857100, MONDO:0009140, OMIM 224410.

Allele frequency attached by ClinVar (database versions not stated): 1000 Genomes Project 30x 0.03201; 1000 Genomes Project 0.03454; TOPMed 0.03644; gnomAD 0.03836 and 0.04033; ESP Exome Variant Server 0.04077; gnomAD exomes 0.04932 and 0.05837; ExAC 0.05120.
gnomAD v4.1: 91,116 of 1,612,014 alleles (5.7%); highest among the groups gnomAD compares: South Asian, 11%; 3,077 homozygotes.

Submissions (9):

Labcorp Genetics (formerly Invitae), Labcorp
Classification: Benign. Last evaluated: 2026-02-04. Review status: criteria provided, single submitter. Criteria: Invitae Variant Classification Sherloc (09022015). Collection method: clinical testing. Allele origin: germline.

Blueprint Genetics
Classification: Likely benign. Last evaluated: 2024-11-26. Review status: criteria provided, single submitter. Criteria: ACMG Guidelines, 2015. Collection method: clinical testing. Allele origin: germline.

Genome Diagnostics Laboratory, The Hospital for Sick Children
Classification: Benign for Connective tissue disorder. Last evaluated: 2022-06-03. Review status: criteria provided, single submitter. Criteria: ACMG Guidelines, 2015. Collection method: clinical testing. Allele origin: germline.

Genome-Nilou Lab
Classification: Benign for Lethal Kniest-like syndrome. Last evaluated: 2021-08-10. Review status: criteria provided, single submitter. Criteria: ACMG Guidelines, 2015. Collection method: clinical testing. Allele origin: germline. Affected: no.

Genome-Nilou Lab
Classification: Benign for Schwartz-Jampel syndrome type 1. Last evaluated: 2021-08-10. Review status: criteria provided, single submitter. Criteria: ACMG Guidelines, 2015. Collection method: clinical testing. Allele origin: germline. Affected: no.

GeneDx
Classification: Benign. Last evaluated: 2018-08-25. Review status: criteria provided, single submitter. Criteria: GeneDx Variant Classification Process June 2021. Collection method: clinical testing. Allele origin: germline. Affected: yes.

Illumina Laboratory Services, Illumina
Classification: Benign for Schwartz-Jampel syndrome type 1. Last evaluated: 2018-01-12. Review status: criteria provided, single submitter. Criteria: ICSL Variant Classification Criteria 13 December 2019. Collection method: clinical testing. Allele origin: germline.
Comment: This variant was observed in the ICSL laboratory as part of a predisposition screen in an ostensibly healthy population. It had not been previously curated by ICSL or reported in the Human Gene Mutation Database (HGMD: prior to June 1st, 2018), and was therefore a candidate for classification through an automated scoring system. Utilizing variant allele frequency, disease prevalence and penetrance estimates, and inheritance mode, an automated score was calculated to assess if this variant is too frequent to cause the disease. Based on the score and internal cut-off values, a variant classified as benign is not then subjected to further curation. The score for this variant resulted in a classification of benign for this disease.

Illumina Laboratory Services, Illumina
Classification: Benign for Lethal Kniest-like syndrome. Last evaluated: 2018-01-12. Review status: criteria provided, single submitter. Criteria: ICSL Variant Classification Criteria 13 December 2019. Collection method: clinical testing. Allele origin: germline.
Comment: the same text as in the submission from Illumina Laboratory Services, Illumina above.

Breakthrough Genomics
Classification: Benign. Review status: criteria provided, single submitter. Criteria: ACMG Guidelines, 2015. Collection method: not provided. Allele origin: germline. Inheritance: Autosomal recessive inheritance. Affected: yes.

NM_005529.7(HSPG2):c.6552G>A (p.Thr2184=)

Genes: HSPG2 (heparan sulfate proteoglycan 2; minus strand), LOC126805655 (CDK7 strongly-dependent group 2 enhancer GRCh37_chr1:22178409-22179608; plus strand). Cytogenetic location: 1p36.12.
Variant type: single nucleotide variant.
Coding change: c.6552G>A on transcript NM_005529.7 (MANE Select); coding-DNA position 6552, G replaced by A.
Protein change: p.Thr2184=; no amino-acid change (threonine 2184 retained).
Molecular consequence: synonymous variant.
Genome position (GRCh38, 1-based): chr1:21,852,958, C>T on the plus strand (G>A on the coding strand, the complement: HSPG2 is on the minus strand). VCF-style: chr1-21852958-C-T. GRCh37 (hg19) VCF-style: chr1-22179451-C-T.
Other names: c.6555G>A, p.Thr2185= (NM_001291860.2); c.6552G>A (NM_005529.6).
Identifiers: ClinVar variation 295810 (VCV000295810.20), dbSNP rs34443576, ClinGen allele CA671509.
Genomic context (GRCh38, chr1:21,852,958, plus strand): 5'-GGTCCCGGGGGGCTGCCATACCTGGTGCCGGGCAGGGAGGCTGCCCCCACGCTTGTGCCA[C>T]GTGACCTGGGCGTGGGCCTGCCCGGGCACCACGCAGTTCAGATCCAGGGTCTGCCCTTCC-3'
Protein context (NP_005520.4, residues 2174-2194): VVPGQAHAQV[Thr2184=]WHKRGGSLPA